The following is an entry in ClinVar:

NM_000311.5(PRNP):c.127A>G (p.Ser43Gly)

Gene: PRNP (prion protein (Kanno blood group); plus strand). Cytogenetic location: 20p13.
Variant type: single nucleotide variant.
Coding change: c.127A>G on transcript NM_000311.5 (MANE Select); coding-DNA position 127, A replaced by G.
Protein change: p.Ser43Gly; replaces serine 43 with glycine.
Molecular consequence: missense variant.
Genome position (GRCh38, 1-based): chr20:4,699,347, A>G. VCF-style: chr20-4699347-A-G. GRCh37 (hg19) VCF-style: chr20-4679993-A-G.
Other names: c.127A>G, p.Ser43Gly (NM_001080121.3, NM_001080122.3, NM_001080123.3 and 1 more transcripts); c.38A>G, p.Gln13Arg (NM_001271561.3); short protein forms Q13R, S43G.
Identifiers: ClinVar variation 4085264 (VCV004085264.8).

ClinVar aggregate classification (germline): Uncertain significance (1 of 4 stars; one submission).

Submission:

CeGaT Center for Human Genetics Tuebingen
Classification: Uncertain significance. Last evaluated: 2025-06-01. Review status: criteria provided, single submitter. Criteria: CeGaT Center For Human Genetics Tuebingen Variant Classification Criteria Version 2. Collection method: clinical testing. Allele origin: germline. Affected: yes. Observed: 1 variant allele.
Comment: PRNP: PM2